The following is an entry in ClinVar:

NM_000222.3(KIT):c.902T>C (p.Val301Ala)

Gene: KIT (KIT proto-oncogene, receptor tyrosine kinase; plus strand). Cytogenetic location: 4q12.
Variant type: single nucleotide variant.
Coding change: c.902T>C on transcript NM_000222.3 (MANE Select); coding-DNA position 902, T replaced by C.
Protein change: p.Val301Ala; replaces valine 301 with alanine.
Molecular consequence: missense variant.
Genome position (GRCh38, 1-based): chr4:54,703,869, T>C. VCF-style: chr4-54703869-T-C. GRCh37 (hg19) VCF-style: chr4-55570035-T-C.
Other names: c.902T>C, p.Val301Ala (NM_001093772.2, NM_001385285.1, NM_001385286.1); c.905T>C, p.Val302Ala (NM_001385284.1, NM_001385288.1, NM_001385290.1 and 1 more transcripts); short protein forms V301A, V302A.
Identifiers: ClinVar variation 528623 (VCV000528623.8), dbSNP rs759119367, ClinGen allele CA2923335.

ClinVar aggregate classification (germline): Uncertain significance. Review status: criteria provided, multiple submitters, no conflicts (2 of 4 stars). 2 submissions from 2 submitters: Uncertain significance (2). Last evaluated 2025-07-28.

Conditions:
Hereditary cancer-predisposing syndrome. Also called: Tumor predisposition; Hereditary neoplastic syndrome; Hereditary Cancer Syndrome; Neoplastic Syndromes, Hereditary. Identifiers: Orphanet 140162, MedGen C0027672, MeSH D009386, MONDO:0015356.
Gastrointestinal stromal tumor. Also called: Gastrointestinal stroma tumor; Gastrointestinal stromal tumor, somatic. Identifiers: Orphanet 44890, MedGen C0238198, MeSH D046152, MONDO:0011719, OMIM 606764, HP:0100723.

Allele frequency attached by ClinVar (database versions not stated): gnomAD exomes below 0.00001; ExAC 0.00001.
gnomAD v4.1: 2 of 1,613,834 alleles (0.00012%); highest among the groups gnomAD compares: Non-Finnish European, 0.00017%; no homozygotes.

Submissions (2):

Ambry Genetics
Classification: Uncertain significance for Hereditary cancer-predisposing syndrome. Last evaluated: 2025-07-28. Review status: criteria provided, single submitter. Criteria: Ambry Variant Classification Scheme 2023. Collection method: clinical testing. Allele origin: germline.
Comment: The p.V301A variant (also known as c.902T>C), located in coding exon 5 of the KIT gene, results from a T to C substitution at nucleotide position 902. The valine at codon 301 is replaced by alanine, an amino acid with similar properties. This amino acid position is conserved. In addition, this alteration is predicted to be tolerated by in silico analysis. Based on the available evidence, the clinical significance of this variant remains unclear.

Labcorp Genetics (formerly Invitae), Labcorp
Classification: Uncertain significance for Gastrointestinal stromal tumor. Last evaluated: 2025-07-20. Review status: criteria provided, single submitter. Criteria: Invitae Variant Classification Sherloc (09022015). Collection method: clinical testing. Allele origin: germline.
Comment: This sequence change replaces valine, which is neutral and non-polar, with alanine, which is neutral and non-polar, at codon 301 of the KIT protein (p.Val301Ala). This variant is present in population databases (rs759119367, gnomAD 0.0009%). This variant has not been reported in the literature in individuals affected with KIT-related conditions. ClinVar contains an entry for this variant (Variation ID: 528623). An algorithm developed to predict the effect of missense changes on protein structure and function (PolyPhen-2) suggests that this variant is likely to be tolerated. In summary, the available evidence is currently insufficient to determine the role of this variant in disease. Therefore, it has been classified as a Variant of Uncertain Significance.